The following is an entry in ClinVar:

NM_002439.5(MSH3):c.3196A>G (p.Arg1066Gly)

Gene: MSH3 (mutS homolog 3; plus strand). Cytogenetic location: 5q14.1.
Variant type: single nucleotide variant.
Coding change: c.3196A>G on transcript NM_002439.5 (MANE Select); coding-DNA position 3196, A replaced by G.
Protein change: p.Arg1066Gly; replaces arginine 1066 with glycine.
Molecular consequence: missense variant.
Genome position (GRCh38, 1-based): chr5:80,873,181, A>G. VCF-style: chr5-80873181-A-G. GRCh37 (hg19) VCF-style: chr5-80169000-A-G.
Other names: short protein forms R1066G.
Identifiers: ClinVar variation 1440337 (VCV001440337.8), dbSNP rs1561506517, ClinGen allele CA360346917.

ClinVar aggregate classification (germline): Uncertain significance (1 of 4 stars; one submission).

Allele frequency attached by ClinVar (database versions not stated): gnomAD exomes below 0.00001.
gnomAD v4.1: 1 of 1,613,868 alleles (0.000062%); highest among the groups gnomAD compares: East Asian, 0.0022%; no homozygotes.

Submission:

Labcorp Genetics (formerly Invitae), Labcorp
Classification: Uncertain significance. Last evaluated: 2021-07-08. Review status: criteria provided, single submitter. Criteria: Invitae Variant Classification Sherloc (09022015). Collection method: clinical testing. Allele origin: germline.
Comment: This sequence change replaces arginine with glycine at codon 1066 of the MSH3 protein (p.Arg1066Gly). The arginine residue is moderately conserved and there is a moderate physicochemical difference between arginine and glycine. This variant is not present in population databases (ExAC no frequency). This variant has not been reported in the literature in individuals affected with MSH3-related conditions. Algorithms developed to predict the effect of missense changes on protein structure and function are either unavailable or do not agree on the potential impact of this missense change (SIFT: "Tolerated"; PolyPhen-2: "Possibly Damaging"; Align-GVGD: "Class C0"). In summary, the available evidence is currently insufficient to determine the role of this variant in disease. Therefore, it has been classified as a Variant of Uncertain Significance.